The following is an entry in ClinVar:

NM_152594.3(SPRED1):c.32A>T (p.Asp11Val)

Gene: SPRED1 (sprouty related EVH1 domain containing 1; plus strand). Cytogenetic location: 15q14.
Variant type: single nucleotide variant.
Coding change: c.32A>T on transcript NM_152594.3 (MANE Select); coding-DNA position 32, A replaced by T.
Protein change: p.Asp11Val; replaces aspartic acid 11 with valine.
Molecular consequence: missense variant.
Genome position (GRCh38, 1-based): chr15:38,253,217, A>T. VCF-style: chr15-38253217-A-T. GRCh37 (hg19) VCF-style: chr15-38545418-A-T.
Other names: short protein forms D11V.
Identifiers: ClinVar variation 1341771 (VCV001341771.3), dbSNP rs1452661347, ClinGen allele CA391931859.

ClinVar aggregate classification (germline): Uncertain significance. Review status: criteria provided, multiple submitters, no conflicts (2 of 4 stars). 2 submissions from 2 submitters: Uncertain significance (2). Last evaluated 2024-12-06.

Conditions:
Legius syndrome. Identifiers: Orphanet 137605, MedGen C1969623, MONDO:0012669, OMIM 611431. Disease mechanism: loss of function.

Allele frequency attached by ClinVar (database versions not stated): gnomAD exomes below 0.00001; gnomAD 0.00001; TOPMed 0.00002.
gnomAD v4.1: 3 of 1,576,560 alleles (0.00019%); highest among the groups gnomAD compares: African/African-American, 0.0041%; no homozygotes.

Submissions (2):

Labcorp Genetics (formerly Invitae), Labcorp
Classification: Uncertain significance for Legius syndrome. Last evaluated: 2024-12-06. Review status: criteria provided, single submitter. Criteria: Invitae Variant Classification Sherloc (09022015). Collection method: clinical testing. Allele origin: germline.
Comment: This sequence change replaces aspartic acid, which is acidic and polar, with valine, which is neutral and non-polar, at codon 11 of the SPRED1 protein (p.Asp11Val). This variant is present in population databases (no rsID available, gnomAD 0.01%). This variant has not been reported in the literature in individuals affected with SPRED1-related conditions. ClinVar contains an entry for this variant (Variation ID: 1341771). An algorithm developed to predict the effect of missense changes on protein structure and function (PolyPhen-2) suggests that this variant is likely to be tolerated. In summary, the available evidence is currently insufficient to determine the role of this variant in disease. Therefore, it has been classified as a Variant of Uncertain Significance.

New York Genome Center
Classification: Uncertain significance for Legius syndrome. Last evaluated: 2021-02-09. Review status: criteria provided, single submitter. Criteria: NYGC Assertion Criteria 2020. Collection method: clinical testing. Allele origin: inherited. Observed: 1 heterozygote. Study: CSER-NYCKidSeq.